The following is an entry in ClinVar:

ClinVar aggregate classification (germline): Pathogenic/Likely pathogenic. Review status: criteria provided, multiple submitters, no conflicts (2 of 4 stars). 2 submissions from 2 submitters: Pathogenic (1); Likely pathogenic (1). Last evaluated 2026-03-03.

Conditions:
Myopathy, lactic acidosis, and sideroblastic anemia 1 (MLASA1). Identifiers: Orphanet 2598, MedGen C4551958, MONDO:0024553, OMIM 600462.
Myopathy, lactic acidosis, and sideroblastic anemia. Also called: Mitochondrial myopathy and sideroblastic anemia; Myopathy with lactic acidosis and sideroblastic anemia. Identifiers: Orphanet 2598, MedGen C1838103, MONDO:0000863.

Submissions (2):

Myriad Genetics, Inc.
Classification: Pathogenic for Myopathy, lactic acidosis, and sideroblastic anemia 1. Last evaluated: 2026-03-03. Review status: criteria provided, single submitter. Criteria: Myriad Autosomal Dominant, Autosomal Recessive and X-Linked Classification Criteria (2023). Collection method: clinical testing. Allele origin: unknown.
Comment: NM_025215.5(PUS1):c.1033delC(Q345Sfs*47) is a frameshift variant classified as pathogenic in the context of myopathy, lactic acidosis, and sideroblastic anemia 1. Q345Sfs*47 has not been observed in cases with relevant disease. Relevant functional assessments of this variant are not available in the literature. Q345Sfs*47 has not been observed in referenced population frequency databases. In summary, NM_025215.5(PUS1):c.1033delC(Q345Sfs*47) is a frameshift variant in a gene where loss of function is a known mechanism of disease and is predicted to disrupt protein function. Please note: this variant was assessed in the context of healthy population screening.

Natera, Inc.
Classification: Likely pathogenic for Mitochondrial myopathy and sideroblastic anemia. Last evaluated: 2024-08-14. Review status: criteria provided, single submitter. Criteria: Natera Variant Classification Schema (03/2026). Collection method: clinical testing. Allele origin: germline.
Comment: The c.1033del variant in PUS1 is a frameshift variant predicted to shift the reading frame beginning at codon 345 and leads to a stop codon 47 codons downstream. This variant is expected to result in nonsense mediated decay, truncation, or a dysfunctional protein product. This variant is rare in the general population with a frequency below the threshold expected for the associated phenotype(s). Given the available evidence, this variant is classified as Likely Pathogenic.

NM_025215.6(PUS1):c.1033del (p.Gln345fs)

Gene: PUS1 (pseudouridine synthase 1; plus strand). Cytogenetic location: 12q24.33.
Variant type: Deletion.
Coding change: c.1033del on transcript NM_025215.6 (MANE Select); coding-DNA position 1033, one base deleted (C; older notation c.1033delC).
Protein change: p.Gln345fs; shifts the reading frame from glutamine 345.
Molecular consequence: frameshift variant.
Genome position (GRCh38, 1-based): chr12:131,941,780, C deleted; the last of 2 consecutive C bases (chr12:131,941,779-131,941,780); deleting either gives the same sequence. VCF-style (leftmost placement, unchanged base first): chr12-131941778-AC-A. GRCh37 (hg19) VCF-style: chr12-132426323-AC-A.
Other names: c.949del, p.Gln317fs (NM_001002019.3, NM_001002020.3); short protein forms Q317fs, Q345fs.
Identifiers: ClinVar variation 4816248 (VCV004816248.2).